The following is an entry in ClinVar:

NM_001042681.2(RERE):c.3930A>G (p.Arg1310=)

Gene: RERE (arginine-glutamic acid dipeptide repeats; minus strand). Cytogenetic location: 1p36.23.
Variant type: single nucleotide variant.
Coding change: c.3930A>G on transcript NM_001042681.2 (MANE Select); coding-DNA position 3930, A replaced by G.
Protein change: p.Arg1310=; no amino-acid change (arginine 1310 retained).
Molecular consequence: synonymous variant.
Genome position (GRCh38, 1-based): chr1:8,358,605, T>C on the plus strand (A>G on the coding strand, the complement: RERE is on the minus strand). VCF-style: chr1-8358605-T-C. GRCh37 (hg19) VCF-style: chr1-8418665-T-C.
Other names: c.3930A>G (NM_012102.3); c.2268A>G, p.Arg756= (NM_001042682.2); c.3930A>G, p.Arg1310= (NM_012102.4).
Identifiers: ClinVar variation 2172154 (VCV002172154.17), dbSNP rs1024267792, ClinGen allele CA570947.
Genomic context (GRCh38, chr1:8,358,605, plus strand): 5'-CTTCACCTCGAAGCCCGGCTTCATCCTCTCCCGCAGCTCCCGCTCTCGGATCTCCCGCTC[T>C]CGGATCTCCCGCTCCCGGAGCTCCCGCTCGCGGATGGTGGGGTCGACGTTGTAGAGGCCA-3'
Protein context (NP_001036146.1, residues 1300-1320): RERELREREI[Arg1310=]EREIRERELR

ClinVar aggregate classification (germline): Likely benign. Review status: criteria provided, multiple submitters, no conflicts (2 of 4 stars). 4 submissions from 4 submitters: Likely benign (3). 1 of the submissions does not count toward it. Last evaluated 2026-05-01.

Conditions:
RERE-related disorder. Also called: RERE-related condition; RERE-Related Disorders. Identifiers: MedGen CN381537.

Allele frequency attached by ClinVar (database versions not stated): ExAC 0.00007; gnomAD exomes 0.00009; gnomAD 0.00015.

Submissions (4):

CeGaT Center for Human Genetics Tuebingen
Classification: Likely benign. Last evaluated: 2026-05-01. Review status: criteria provided, single submitter. Criteria: CeGaT Center For Human Genetics Tuebingen Variant Classification Criteria Version 2. Collection method: clinical testing. Allele origin: germline. Affected: yes. Observed: 2 variant alleles.
Comment: RERE: BP4, BP7

Labcorp Genetics (formerly Invitae), Labcorp
Classification: Likely benign. Last evaluated: 2025-05-18. Review status: criteria provided, single submitter. Criteria: Invitae Variant Classification Sherloc (09022015). Collection method: clinical testing. Allele origin: germline.

Blueprint Genetics
Classification: Likely benign. Last evaluated: 2024-09-10. Review status: criteria provided, single submitter. Criteria: ACMG Guidelines, 2015. Collection method: clinical testing. Allele origin: germline.

PreventionGenetics, part of Exact Sciences
Classification: Likely benign for RERE-related condition. Last evaluated: 2021-06-30. Review status: no assertion criteria provided. Collection method: clinical testing. Allele origin: germline. Not counted in ClinVar's aggregate classification.
Comment: This variant is classified as likely benign based on ACMG/AMP sequence variant interpretation guidelines (Richards et al. 2015 PMID: 25741868, with internal and published modifications).